The following is an entry in ClinVar:

ClinVar aggregate classification (germline): Uncertain significance. Review status: criteria provided, multiple submitters, no conflicts (2 of 4 stars). 2 submissions from 2 submitters: Uncertain significance (2). Last evaluated 2024-06-22.

Allele frequency attached by ClinVar (database versions not stated): TOPMed 0.00001; ExAC 0.00002; gnomAD 0.00002.
gnomAD v4.1: 17 of 1,613,560 alleles (0.0011%); highest among the groups gnomAD compares: African/African-American, 0.0027%; no homozygotes.

Submissions (2):

Ambry Genetics
Classification: Uncertain significance. Last evaluated: 2024-06-22. Review status: criteria provided, single submitter. Criteria: Ambry Variant Classification Scheme 2023. Collection method: clinical testing. Allele origin: germline.

Labcorp Genetics (formerly Invitae), Labcorp
Classification: Uncertain significance. Last evaluated: 2023-04-06. Review status: criteria provided, single submitter. Criteria: Invitae Variant Classification Sherloc (09022015). Collection method: clinical testing. Allele origin: germline.
Comment: In summary, the available evidence is currently insufficient to determine the role of this variant in disease. Therefore, it has been classified as a Variant of Uncertain Significance. An algorithm developed to predict the effect of missense changes on protein structure and function (PolyPhen-2) suggests that this variant¬¨‚Ä† is likely to be tolerated. This variant has not been reported in the literature in individuals affected with ZNF341-related conditions. This variant is present in population databases (rs751996184, gnomAD 0.004%). This sequence change replaces arginine, which is basic and polar, with glutamine, which is neutral and polar, at codon 597 of the ZNF341 protein (p.Arg597Gln).

NM_001282933.2(ZNF341):c.1811G>A (p.Arg604Gln)

Gene: ZNF341 (zinc finger protein 341; plus strand). Cytogenetic location: 20q11.22.
Variant type: single nucleotide variant.
Coding change: c.1811G>A on transcript NM_001282933.2 (MANE Select); coding-DNA position 1811, G replaced by A.
Protein change: p.Arg604Gln; replaces arginine 604 with glutamine.
Molecular consequence: missense variant. On other transcripts: non-coding transcript variant (1).
Genome position (GRCh38, 1-based): chr20:33,783,823, G>A. VCF-style: chr20-33783823-G-A. GRCh37 (hg19) VCF-style: chr20-32371629-G-A.
Other names: c.1541G>A, p.Arg514Gln (NM_001282935.2); c.1790G>A, p.Arg597Gln (NM_032819.5); c.1790G>A (NM_032819.3); short protein forms R514Q, R597Q, R604Q.
Identifiers: ClinVar variation 2909477 (VCV002909477.3), dbSNP rs751996184, ClinGen allele CA9819559.
Genomic context (GRCh38, chr20:33,783,823, plus strand): 5'-ATCTGCCCACCCACGGCAGCGGGGGCAGGTTCAAGTGCCAAGTGTGCAAGAAGTTCTTCC[G>A]GCGGGAGCATTATCTCAAACTGCATGCTCACATCCACTCGGGTAGGTACCCTGCCCCTGA-3'
Protein context (NP_001269862.1, residues 594-614): FKCQVCKKFF[Arg604Gln]REHYLKLHAH